The following is an entry in ClinVar:

NM_007215.4(POLG2):c.942G>T (p.Met314Ile)

Genes: MILR1 (mast cell immunoglobulin like receptor 1; plus strand), POLG2 (DNA polymerase gamma 2, accessory subunit; minus strand). Cytogenetic location: 17q23.3.
Variant type: single nucleotide variant.
Coding change: c.942G>T on transcript NM_007215.4 (MANE Select); coding-DNA position 942, G replaced by T.
Protein change: p.Met314Ile; replaces methionine 314 with isoleucine.
Molecular consequence: missense variant.
Genome position (GRCh38, 1-based): chr17:64,490,823, C>A on the plus strand (G>T on the coding strand, the complement: POLG2 is on the minus strand). VCF-style: chr17-64490823-C-A. GRCh37 (hg19) VCF-style: chr17-62486940-C-A.
Other names: short protein forms M314I.
Identifiers: ClinVar variation 3001218 (VCV003001218.3), dbSNP rs2038045455, ClinGen allele CA400638447.
Genomic context (GRCh38, chr17:64,490,823, plus strand): 5'-AAAAAATACATAGGAGCTCCAGGTAAAACATACATGTAATTTAGACACATTGCCAGGATA[C>A]ATGTGTAAAAGTTCGTGATCTCCTAGGTTCCACAGGGTTTCTATTAACTCCTTTCCCCAG-3'
Protein context (NP_009146.2, residues 304-324): WNLGDHELLH[Met314Ile]YPGNVSKLHG

ClinVar aggregate classification (germline): Uncertain significance (1 of 4 stars; one submission).

Allele frequency attached by ClinVar (database versions not stated): gnomAD exomes below 0.00001; TOPMed below 0.00001.
gnomAD v4.1: 3 of 1,613,234 alleles (0.00019%); highest among the groups gnomAD compares: African/African-American, 0.004%; no homozygotes.

Submission:

Labcorp Genetics (formerly Invitae), Labcorp
Classification: Uncertain significance. Last evaluated: 2025-10-13. Review status: criteria provided, single submitter. Criteria: Invitae Variant Classification Sherloc (09022015). Collection method: clinical testing. Allele origin: germline.
Comment: This sequence change replaces methionine, which is neutral and non-polar, with isoleucine, which is neutral and non-polar, at codon 314 of the POLG2 protein (p.Met314Ile). This variant is not present in population databases (gnomAD no frequency). This variant has not been reported in the literature in individuals affected with POLG2-related conditions. ClinVar contains an entry for this variant (Variation ID: 3001218). An algorithm developed to predict the effect of missense changes on protein structure and function (PolyPhen-2) suggests that this variant is likely to be tolerated. In summary, the available evidence is currently insufficient to determine the role of this variant in disease. Therefore, it has been classified as a Variant of Uncertain Significance.